The following is an entry in ClinVar:

ClinVar aggregate classification (germline): Uncertain significance (1 of 4 stars; one submission).

Conditions:
Nephronophthisis 9 (NPHP9). Identifiers: Orphanet 655, MedGen C3151188, MONDO:0013444, OMIM 613824.

Submission:

Labcorp Genetics (formerly Invitae), Labcorp
Classification: Uncertain significance for Nephronophthisis 9. Last evaluated: 2025-01-13. Review status: criteria provided, single submitter. Criteria: Invitae Variant Classification Sherloc (09022015). Collection method: clinical testing. Allele origin: germline.
Comment: This sequence change replaces alanine, which is neutral and non-polar, with valine, which is neutral and non-polar, at codon 202 of the NEK8 protein (p.Ala202Val). This variant is not present in population databases (gnomAD no frequency). This variant has not been reported in the literature in individuals affected with NEK8-related conditions. An algorithm developed to predict the effect of missense changes on protein structure and function (PolyPhen-2) suggests that this variant is likely to be disruptive. In summary, the available evidence is currently insufficient to determine the role of this variant in disease. Therefore, it has been classified as a Variant of Uncertain Significance.

NM_178170.3(NEK8):c.605C>T (p.Ala202Val)

Gene: NEK8 (NIMA related kinase 8; plus strand). Cytogenetic location: 17q11.2.
Variant type: single nucleotide variant.
Coding change: c.605C>T on transcript NM_178170.3 (MANE Select); coding-DNA position 605, C replaced by T.
Protein change: p.Ala202Val; replaces alanine 202 with valine.
Molecular consequence: missense variant.
Genome position (GRCh38, 1-based): chr17:28,735,358, C>T. VCF-style: chr17-28735358-C-T. GRCh37 (hg19) VCF-style: chr17-27062376-C-T.
Other names: short protein forms A202V.
Identifiers: ClinVar variation 3725277 (VCV003725277.2).